The following is an entry in ClinVar:

ClinVar aggregate classification (germline): Pathogenic (1 of 4 stars; one submission).

Submission:

Labcorp Genetics (formerly Invitae), Labcorp
Classification: Pathogenic. Last evaluated: 2023-12-29. Review status: criteria provided, single submitter. Criteria: Invitae Variant Classification Sherloc (09022015). Collection method: clinical testing. Allele origin: germline.
Comment: This sequence change creates a premature translational stop signal (p.Ser864*) in the ERCC6 gene. It is expected to result in an absent or disrupted protein product. Loss-of-function variants in ERCC6 are known to be pathogenic (PMID: 18628313, 29572252). This variant is not present in population databases (gnomAD no frequency). This variant has not been reported in the literature in individuals affected with ERCC6-related conditions. For these reasons, this variant has been classified as Pathogenic.

Literature cited by the submitters: PubMed 18628313; PubMed 29572252.

NM_000124.4(ERCC6):c.2591C>G (p.Ser864Ter)

Gene: ERCC6 (ERCC excision repair 6, chromatin remodeling factor; minus strand). Cytogenetic location: 10q11.23.
Variant type: single nucleotide variant.
Coding change: c.2591C>G on transcript NM_000124.4 (MANE Select); coding-DNA position 2591, C replaced by G.
Protein change: p.Ser864Ter; replaces serine 864 with a stop codon.
Molecular consequence: nonsense.
Genome position (GRCh38, 1-based): chr10:49,474,034, G>C on the plus strand (C>G on the coding strand, the complement: ERCC6 is on the minus strand). VCF-style: chr10-49474034-G-C. GRCh37 (hg19) VCF-style: chr10-50682080-G-C.
Other names: c.2591C>G, p.Ser864Ter (NM_001346440.2); short protein forms S864*.
Identifiers: ClinVar variation 2724551 (VCV002724551.3), dbSNP rs921680313, ClinGen allele CA376721194.
Genomic context (GRCh38, chr10:49,474,034, plus strand): 5'-GATGGCTGTCATAAAGAACCAGCCTGTTTCCCGTCTGAAGTCTGTGCACTCACCTGCCTT[G>C]ACTGAGAAAACAGCAATACTCGCTGACCCTGCTTGTGCCATATTTTCAACAAAGACTCAA-3'